The following is an entry in ClinVar:

ClinVar aggregate classification (germline): Uncertain significance. Review status: criteria provided, multiple submitters, no conflicts (2 of 4 stars). 2 submissions from 2 submitters: Uncertain significance (2). Last evaluated 2025-12-05.

Conditions:
Drash syndrome (DDS). Also called: NEPHROPATHY, WILMS TUMOR, AND GENITAL ANOMALIES; WILMS TUMOR AND PSEUDO- OR TRUE HERMAPHRODITISM. Identifiers: Orphanet 220, MedGen C0950121, MONDO:0008682, OMIM 194080.
Frasier syndrome. Identifiers: Orphanet 347, MedGen C0950122, MeSH D052159, MONDO:0007635, OMIM 136680.
Wilms tumor 1 (WT1). Also called: Wilms tumor, somatic. Identifiers: Orphanet 654, MedGen CN033288, MONDO:0008679, OMIM 194070.
11p partial monosomy syndrome (WAGR). Also called: CHROMOSOME 11p13 DELETION SYNDROME; WAGR Spectrum Disorder; WAGR Complex; WAGR syndrome. Identifiers: Orphanet 893, MedGen C0206115, MONDO:0008681, OMIM 194072.
Inborn genetic diseases. Identifiers: MedGen C0950123, MeSH D030342.

Submissions (2):

Labcorp Genetics (formerly Invitae), Labcorp
Classification: Uncertain significance for Wilms tumor 1; Drash syndrome; 11p partial monosomy syndrome; Frasier syndrome. Last evaluated: 2025-12-05. Review status: criteria provided, single submitter. Criteria: Invitae Variant Classification Sherloc (09022015). Collection method: clinical testing. Allele origin: germline.
Comment: This sequence change replaces proline, which is neutral and non-polar, with arginine, which is basic and polar, at codon 420 of the WT1 protein (p.Pro420Arg). This variant is not present in population databases (gnomAD no frequency). This variant has not been reported in the literature in individuals affected with WT1-related conditions. ClinVar contains an entry for this variant (Variation ID: 1062217). Invitae Evidence Modeling of protein sequence and biophysical properties (such as structural, functional, and spatial information, amino acid conservation, physicochemical variation, residue mobility, and thermodynamic stability) indicates that this missense variant is expected to disrupt WT1 protein function with a positive predictive value of 80%. In summary, the available evidence is currently insufficient to determine the role of this variant in disease. Therefore, it has been classified as a Variant of Uncertain Significance.

Ambry Genetics
Classification: Uncertain significance for Inborn genetic diseases. Last evaluated: 2025-01-20. Review status: criteria provided, single submitter. Criteria: Ambry Variant Classification Scheme 2023. Collection method: clinical testing. Allele origin: germline.
Comment: The p.P420R variant (also known as c.1259C>G), located in coding exon 8 of the WT1 gene, results from a C to G substitution at nucleotide position 1259. The proline at codon 420 is replaced by arginine, an amino acid with dissimilar properties. This amino acid position is conserved. In addition, the in silico prediction for this alteration is inconclusive. Based on the available evidence, the clinical significance of this variant remains unclear.

NM_024426.6(WT1):c.1274C>G (p.Pro425Arg)

Gene: WT1 (WT1 transcription factor; minus strand). Cytogenetic location: 11p13.
Variant type: single nucleotide variant.
Coding change: c.1274C>G on transcript NM_024426.6 (MANE Select); coding-DNA position 1274, C replaced by G.
Protein change: p.Pro425Arg; replaces proline 425 with arginine.
Molecular consequence: missense variant. On other transcripts: non-coding transcript variant (1).
Genome position (GRCh38, 1-based): chr11:32,392,746, G>C on the plus strand (C>G on the coding strand, the complement: WT1 is on the minus strand). VCF-style: chr11-32392746-G-C. GRCh37 (hg19) VCF-style: chr11-32414292-G-C.
Other names: c.1223C>G, p.Pro408Arg (NM_000378.6, NM_001407045.1, NM_001407049.1); c.623C>G, p.Pro208Arg (NM_001198551.2); c.572C>G, p.Pro191Arg (NM_001198552.2); c.86C>G, p.Pro29Arg (NM_001367854.1); c.1268C>G, p.Pro423Arg (NM_001407044.1); c.1274C>G, p.Pro425Arg (NM_001407046.1, NM_024424.5); c.1151C>G, p.Pro384Arg (NM_001407047.1); c.1100C>G, p.Pro367Arg (NM_001407050.1); and 3 more; short protein forms P191R, P208R, P29R, P408R, P425R, P367R, P403R, P423R.
Identifiers: ClinVar variation 1062217 (VCV001062217.11), dbSNP rs2132921474, ClinGen allele CA379959423.
Genomic context (GRCh38, chr11:32,392,746, plus strand): 5'-CTTTTGAGCTGGTCTGAACGAGAAAACCTTCGTTCACAGTCCTTGAAGTCACACTGGTAT[G>C]GTTTCTCACCTTGGGGAAGACACATATTCTATTTGAAAATGATACTGGAAAAGGGGATCT-3'
Protein context (NP_077744.4, residues 415-435): MHSRKHTGEK[Pro425Arg]YQCDFKDCER